The following is an entry in ClinVar:

NM_001372044.2(SHANK3):c.4717A>G (p.Ser1573Gly)

Gene: SHANK3 (SH3 and multiple ankyrin repeat domains 3; plus strand). Cytogenetic location: 22q13.33.
Variant type: single nucleotide variant.
Coding change: c.4717A>G on transcript NM_001372044.2 (MANE Select); coding-DNA position 4717, A replaced by G.
Protein change: p.Ser1573Gly; replaces serine 1573 with glycine.
Molecular consequence: missense variant.
Genome position (GRCh38, 1-based): chr22:50,722,325, A>G. VCF-style: chr22-50722325-A-G. GRCh37 (hg19) VCF-style: chr22-51160753-A-G.
Other names: c.4492A>G, p.Ser1498Gly (NM_033517.1); short protein forms S1498G, S1573G.
Identifiers: ClinVar variation 2571849 (VCV002571849.1), dbSNP rs2518430543, ClinGen allele CA515265180.

ClinVar aggregate classification (germline): Uncertain significance (1 of 4 stars; one submission).

Submission:

GeneDx
Classification: Uncertain significance. Last evaluated: 2023-01-04. Review status: criteria provided, single submitter. Criteria: GeneDx Variant Classification Process June 2021. Collection method: clinical testing. Allele origin: germline. Affected: yes.
Comment: Not observed at significant frequency in large population cohorts (gnomAD); In silico analysis supports that this missense variant does not alter protein structure/function; Has not been previously published as pathogenic or benign to our knowledge